The following is an entry in ClinVar:

ClinVar aggregate classification (germline): Pathogenic (1 of 4 stars; one submission).

Conditions:
Ataxia-telangiectasia syndrome (AT). Also called: Ataxia-telangiectasia, complementation group E; LOUIS-BAR SYNDROME; Ataxia-telangiectasia, complementation group D; AT, COMPLEMENTATION GROUP C; Ataxia-telangiectasia; Cerebello-oculocutaneous telangiectasia. Identifiers: Orphanet 100, MedGen C0004135, MONDO:0008840, OMIM 208900.

Submission:

Labcorp Genetics (formerly Invitae), Labcorp
Classification: Pathogenic for Ataxia-telangiectasia syndrome. Last evaluated: 2022-01-10. Review status: criteria provided, single submitter. Criteria: Invitae Variant Classification Sherloc (09022015). Collection method: clinical testing. Allele origin: germline.
Comment: This sequence change creates a premature translational stop signal (p.Thr1507Ilefs*8) in the ATM gene. It is expected to result in an absent or disrupted protein product. Loss-of-function variants in ATM are known to be pathogenic (PMID: 23807571, 25614872). This variant is not present in population databases (gnomAD no frequency). This variant has not been reported in the literature in individuals affected with ATM-related conditions. Algorithms developed to predict the effect of sequence changes on RNA splicing suggest that this variant may create or strengthen a splice site. For these reasons, this variant has been classified as Pathogenic.

Literature cited by the submitters: PubMed 23807571; PubMed 25614872.

NM_000051.4(ATM):c.4497_4519dup (p.Thr1507delinsIleArgPheAlaArgGlnProTer)

Gene: ATM (ATM serine/threonine kinase; plus strand). Cytogenetic location: 11q22.3.
Variant type: Duplication.
Coding change: c.4497_4519dup on transcript NM_000051.4 (MANE Select); coding-DNA positions 4497 to 4519, 23 bases duplicated (TCAGGTTTGCCAGACAGCCGTGA).
Protein change: p.Thr1507delinsIleArgPheAlaArgGlnProTer.
Molecular consequence: nonsense.
Genome position (GRCh38, 1-based): chr11:108,292,679-108,292,701, TCAGGTTTGCCAGACAGCCGTGA duplicated. VCF-style (leftmost placement, unchanged base first): chr11-108292678-G-GTCAGGTTTGCCAGACAGCCGTGA. GRCh37 (hg19) VCF-style: chr11-108163405-G-GTCAGGTTTGCCAGACAGCCGTGA.
Other names: c.4497_4519dup, p.Thr1507delinsIleArgPheAlaArgGlnProTer (NM_001351834.2).
Identifiers: ClinVar variation 1459010 (VCV001459010.6), dbSNP rs2135799107, ClinGen allele CA2573146648.